The following is an entry in ClinVar:

ClinVar aggregate classification (germline): Pathogenic/Likely pathogenic. Review status: criteria provided, multiple submitters, no conflicts (2 of 4 stars). 3 submissions from 3 submitters: Pathogenic (2); Likely pathogenic (1). Last evaluated 2023-05-16.

Conditions:
Congenital stationary night blindness 1C. Also called: Night blindness, congenital stationary (complete), 1C, autosomal recessive. Identifiers: Orphanet 215, MedGen C2750747, MONDO:0013183, OMIM 613216.
TRPM1-related disorder. Also called: TRPM1-related condition.

Allele frequency attached by ClinVar (database versions not stated): gnomAD exomes below 0.00001 and 0.00001; ExAC 0.00001.
gnomAD v4.1: 4 of 1,614,158 alleles (0.00025%); highest among the groups gnomAD compares: East Asian, 0.0022%; no homozygotes.

Submissions (3):

Blueprint Genetics
Classification: Pathogenic for TRPM1-related disorders. Last evaluated: 2023-05-16. Review status: criteria provided, single submitter. Criteria: ACMG Guidelines, 2015. Collection method: clinical testing. Allele origin: germline. Affected: yes. Observed: 1 variant allele.

Revvity Omics, Revvity
Classification: Likely pathogenic for Congenital stationary night blindness 1C. Last evaluated: 2022-06-03. Review status: criteria provided, single submitter. Criteria: ACMG Guidelines, 2015. Collection method: clinical testing. Allele origin: germline.

Labcorp Genetics (formerly Invitae), Labcorp
Classification: Pathogenic. Last evaluated: 2018-09-05. Review status: criteria provided, single submitter. Criteria: Invitae Variant Classification Sherloc (09022015). Collection method: clinical testing. Allele origin: germline.
Comment: This sequence change creates a premature translational stop signal (p.Arg634*) in the TRPM1 gene. It is expected to result in an absent or disrupted protein product. This variant is present in population databases (rs763546583, ExAC 0.001%). This variant has not been reported in the literature in individuals with TRPM1-related disease. Loss-of-function variants in TRPM1 are known to be pathogenic (PMID: 19966281, 20300565). For these reasons, this variant has been classified as Pathogenic.

Literature cited by the submitters: PubMed 19966281 (cited by Labcorp Genetics (formerly Invitae), Labcorp); PubMed 20300565 (cited by Labcorp Genetics (formerly Invitae), Labcorp).

NM_001252024.2(TRPM1):c.1966C>T (p.Arg656Ter)

Gene: TRPM1 (transient receptor potential cation channel subfamily M member 1; minus strand). Cytogenetic location: 15q13.3.
Variant type: single nucleotide variant.
Coding change: c.1966C>T on transcript NM_001252024.2 (MANE Select); coding-DNA position 1966, C replaced by T.
Protein change: p.Arg656Ter; replaces arginine 656 with a stop codon.
Molecular consequence: nonsense.
Genome position (GRCh38, 1-based): chr15:31,042,072, G>A on the plus strand (C>T on the coding strand, the complement: TRPM1 is on the minus strand). VCF-style: chr15-31042072-G-A. GRCh37 (hg19) VCF-style: chr15-31334275-G-A.
Other names: c.2017C>T, p.Arg673Ter (NM_001252020.2); c.1900C>T, p.Arg634Ter (NM_002420.6); short protein forms R673*, R656*, R634*.
Identifiers: ClinVar variation 645561 (VCV000645561.10), dbSNP rs763546583, ClinGen allele CA7452358.